The following is an entry in ClinVar:

ClinVar aggregate classification (germline): Likely benign. Review status: criteria provided, single submitter (1 of 4 stars). 2 submissions from 2 submitters: Likely benign (1). 1 of the submissions does not count toward it. Last evaluated 2025-10-01.

Conditions:
JAM3-related disorder. Also called: JAM3-related condition.

Allele frequency attached by ClinVar (database versions not stated): gnomAD exomes 0.00039 and 0.00015; gnomAD 0.00135 and 0.00146; ExAC 0.00049; 1000 Genomes Project 0.00080; 1000 Genomes Project 30x 0.00109; ESP Exome Variant Server 0.00131; TOPMed 0.00189.

Submissions (2):

Labcorp Genetics (formerly Invitae), Labcorp
Classification: Likely benign. Last evaluated: 2025-10-01. Review status: criteria provided, single submitter. Criteria: Invitae Variant Classification Sherloc (09022015). Collection method: clinical testing. Allele origin: germline.

PreventionGenetics, part of Exact Sciences
Classification: Likely benign for JAM3-related condition. Last evaluated: 2022-03-28. Review status: no assertion criteria provided. Collection method: clinical testing. Allele origin: germline. Not counted in ClinVar's aggregate classification.
Comment: This variant is classified as likely benign based on ACMG/AMP sequence variant interpretation guidelines (Richards et al. 2015 PMID: 25741868, with internal and published modifications).

NM_032801.5(JAM3):c.883C>T (p.Arg295Cys)

Gene: JAM3 (junctional adhesion molecule 3; plus strand). Cytogenetic location: 11q25.
Variant type: single nucleotide variant.
Coding change: c.883C>T on transcript NM_032801.5 (MANE Select); coding-DNA position 883, C replaced by T.
Protein change: p.Arg295Cys; replaces arginine 295 with cysteine.
Molecular consequence: missense variant.
Genome position (GRCh38, 1-based): chr11:134,148,804, C>T. VCF-style: chr11-134148804-C-T. GRCh37 (hg19) VCF-style: chr11-134018699-C-T.
Other names: c.730C>T, p.Arg244Cys (NM_001205329.2); short protein forms R295C, R244C.
Identifiers: ClinVar variation 768501 (VCV000768501.12), dbSNP rs139421684, ClinGen allele CA6370251.